The following is an entry in ClinVar:

ClinVar aggregate classification (germline): Uncertain significance (1 of 4 stars; one submission).

Allele frequency attached by ClinVar (database versions not stated): gnomAD 0.00001; ExAC 0.00001.
gnomAD v4.1: 1 of 1,613,758 alleles (0.000062%); highest among the groups gnomAD compares: Admixed American, 0.0017%; no homozygotes.

Submission:

Labcorp Genetics (formerly Invitae), Labcorp
Classification: Uncertain significance. Last evaluated: 2025-08-17. Review status: criteria provided, single submitter. Criteria: Invitae Variant Classification Sherloc (09022015). Collection method: clinical testing. Allele origin: germline.
Comment: This sequence change replaces glutamine, which is neutral and polar, with glutamic acid, which is acidic and polar, at codon 125 of the PTDSS1 protein (p.Gln125Glu). This variant is present in population databases (rs748935593, gnomAD 0.003%). This variant has not been reported in the literature in individuals affected with PTDSS1-related conditions. ClinVar contains an entry for this variant (Variation ID: 2701656). Invitae Evidence Modeling of protein sequence and biophysical properties (such as structural, functional, and spatial information, amino acid conservation, physicochemical variation, residue mobility, and thermodynamic stability) indicates that this missense variant is not expected to disrupt PTDSS1 protein function with a negative predictive value of 80%. In summary, the available evidence is currently insufficient to determine the role of this variant in disease. Therefore, it has been classified as a Variant of Uncertain Significance.

NM_014754.3(PTDSS1):c.373C>G (p.Gln125Glu)

Gene: PTDSS1 (phosphatidylserine synthase 1; plus strand). Cytogenetic location: 8q22.1.
Variant type: single nucleotide variant.
Coding change: c.373C>G on transcript NM_014754.3 (MANE Select); coding-DNA position 373, C replaced by G.
Protein change: p.Gln125Glu; replaces glutamine 125 with glutamic acid.
Molecular consequence: missense variant. On other transcripts: intron variant (1).
Genome position (GRCh38, 1-based): chr8:96,287,078, C>G. VCF-style: chr8-96287078-C-G. GRCh37 (hg19) VCF-style: chr8-97299306-C-G.
Other names: c.4-8020C>G (NM_001290225.2); short protein forms Q125E.
Identifiers: ClinVar variation 2701656 (VCV002701656.3), dbSNP rs748935593, ClinGen allele CA4816560.